The following is an entry in ClinVar:

NM_004341.5(CAD):c.629A>G (p.Asp210Gly)

Gene: CAD (carbamoyl-phosphate synthetase 2, aspartate transcarbamylase, and dihydroorotase; plus strand). Cytogenetic location: 2p23.3.
Variant type: single nucleotide variant.
Coding change: c.629A>G on transcript NM_004341.5 (MANE Select); coding-DNA position 629, A replaced by G.
Protein change: p.Asp210Gly; replaces aspartic acid 210 with glycine.
Molecular consequence: missense variant.
Genome position (GRCh38, 1-based): chr2:27,222,652, A>G. VCF-style: chr2-27222652-A-G. GRCh37 (hg19) VCF-style: chr2-27445520-A-G.
Other names: c.629A>G, p.Asp210Gly (NM_001306079.2); short protein forms D210G.
Identifiers: ClinVar variation 1361708 (VCV001361708.4), dbSNP rs1675231742, ClinGen allele CA346200128.

ClinVar aggregate classification (germline): Uncertain significance (1 of 4 stars; one submission).

Submission:

Labcorp Genetics (formerly Invitae), Labcorp
Classification: Uncertain significance. Last evaluated: 2021-08-11. Review status: criteria provided, single submitter. Criteria: Invitae Variant Classification Sherloc (09022015). Collection method: clinical testing. Allele origin: germline.
Comment: This sequence change replaces aspartic acid with glycine at codon 210 of the CAD protein (p.Asp210Gly). The aspartic acid residue is moderately conserved and there is a moderate physicochemical difference between aspartic acid and glycine. This variant is not present in population databases (ExAC no frequency). This variant has not been reported in the literature in individuals affected with CAD-related conditions. Algorithms developed to predict the effect of missense changes on protein structure and function are either unavailable or do not agree on the potential impact of this missense change (SIFT: "Deleterious"; PolyPhen-2: "Benign"; Align-GVGD: "Class C0"). In summary, the available evidence is currently insufficient to determine the role of this variant in disease. Therefore, it has been classified as a Variant of Uncertain Significance.